The following is an entry in ClinVar:

ClinVar aggregate classification (germline): Uncertain significance (1 of 4 stars; one submission).

Submission:

Labcorp Genetics (formerly Invitae), Labcorp
Classification: Uncertain significance. Last evaluated: 2022-03-12. Review status: criteria provided, single submitter. Criteria: Invitae Variant Classification Sherloc (09022015). Collection method: clinical testing. Allele origin: germline.
Comment: This sequence change replaces arginine, which is basic and polar, with glutamine, which is neutral and polar, at codon 299 of the ERCC2 protein (p.Arg299Gln). This variant is present in population databases (no rsID available, gnomAD 0.002%). This variant has not been reported in the literature in individuals affected with ERCC2-related conditions. Algorithms developed to predict the effect of missense changes on protein structure and function are either unavailable or do not agree on the potential impact of this missense change (SIFT: "Tolerated"; PolyPhen-2: "Possibly Damaging"; Align-GVGD: "Class C0"). In summary, the available evidence is currently insufficient to determine the role of this variant in disease. Therefore, it has been classified as a Variant of Uncertain Significance.

NM_000400.4(ERCC2):c.896G>A (p.Arg299Gln)

Gene: ERCC2 (ERCC excision repair 2, TFIIH core complex helicase subunit; minus strand). Cytogenetic location: 19q13.32.
Variant type: single nucleotide variant.
Coding change: c.896G>A on transcript NM_000400.4 (MANE Select); coding-DNA position 896, G replaced by A.
Protein change: p.Arg299Gln; replaces arginine 299 with glutamine.
Molecular consequence: missense variant.
Genome position (GRCh38, 1-based): chr19:45,364,039, C>T on the plus strand (G>A on the coding strand, the complement: ERCC2 is on the minus strand). VCF-style: chr19-45364039-C-T. GRCh37 (hg19) VCF-style: chr19-45867297-C-T.
Other names: c.824G>A, p.Arg275Gln (NM_001130867.2); short protein forms R275Q, R299Q.
Identifiers: ClinVar variation 2421480 (VCV002421480.3), dbSNP rs1253027478, ClinGen allele CA406373505.